The following is an entry in ClinVar:

NM_001048174.2(MUTYH):c.903G>C (p.Val301=)

Gene: MUTYH (mutY DNA glycosylase; minus strand). Cytogenetic location: 1p34.1.
Variant type: single nucleotide variant.
Coding change: c.903G>C on transcript NM_001048174.2 (MANE Select); coding-DNA position 903, G replaced by C.
Protein change: p.Val301=; no amino-acid change (valine 301 retained).
Molecular consequence: synonymous variant. On other transcripts: non-coding transcript variant (2).
Genome position (GRCh38, 1-based): chr1:45,332,033, C>G on the plus strand (G>C on the coding strand, the complement: MUTYH is on the minus strand). VCF-style: chr1-45332033-C-G. GRCh37 (hg19) VCF-style: chr1-45797705-C-G.
Other names: c.903G>C, p.Val301= (NM_001048171.2, NM_001048173.2, NM_001293195.2); c.906G>C, p.Val302= (NM_001048172.2); c.987G>C, p.Val329= (NM_001128425.2); c.948G>C, p.Val316= (NM_001293190.2); c.936G>C, p.Val312= (NM_001293191.2); c.627G>C, p.Val209= (NM_001293192.2, NM_001293196.2); c.558G>C, p.Val186= (NM_001350650.2, NM_001350651.2); c.978G>C, p.Val326= (NM_012222.3).
Identifiers: ClinVar variation 231875 (VCV000231875.28), dbSNP rs749048388, ClinGen allele CA059865.

ClinVar aggregate classification (germline): Likely benign. Review status: criteria provided, multiple submitters, no conflicts (2 of 4 stars). 9 submissions from 9 submitters: Likely benign (8). 1 of the submissions does not count toward it. Last evaluated 2026-10-01.

Conditions:
MUTYH-related disorder. Also called: MUTYH-related condition; MUTYH-related disorders.
Hereditary cancer-predisposing syndrome. Also called: Hereditary neoplastic syndrome; Hereditary Cancer Syndrome; Neoplastic Syndromes, Hereditary; Tumor predisposition. Identifiers: Orphanet 140162, MedGen C0027672, MeSH D009386, MONDO:0015356.
Familial adenomatous polyposis 2. Also called: Adenomas, multiple colorectal; MUTYH Polyposis; COLORECTAL ADENOMATOUS POLYPOSIS, AUTOSOMAL RECESSIVE; ADENOMAS, MULTIPLE COLORECTAL, AUTOSOMAL RECESSIVE; MYH-associated polyposis; FAP type 2. Identifiers: Orphanet 220460, Orphanet 247798, MedGen C3272841, MONDO:0012041, OMIM 608456.

Allele frequency attached by ClinVar (database versions not stated): gnomAD exomes below 0.00001; TOPMed below 0.00001; ExAC 0.00001; gnomAD 0.00001.
gnomAD v4.1: 6 of 1,614,094 alleles (0.00037%); highest among the groups gnomAD compares: Non-Finnish European, 0.00042%; no homozygotes.

Submissions (9):

CeGaT Center for Human Genetics Tuebingen
Classification: Likely benign. Last evaluated: 2026-10-01. Review status: criteria provided, single submitter. Criteria: CeGaT Center For Human Genetics Tuebingen Variant Classification Criteria Version 2. Collection method: clinical testing. Allele origin: germline. Affected: yes. Observed: 1 variant allele.
Comment: MUTYH: BP4, BP7

Labcorp Genetics (formerly Invitae), Labcorp
Classification: Likely benign for Familial adenomatous polyposis 2. Last evaluated: 2025-12-03. Review status: criteria provided, single submitter. Criteria: Invitae Variant Classification Sherloc (09022015). Collection method: clinical testing. Allele origin: germline.

Center for Genomic Medicine, Rigshospitalet, Copenhagen University Hospital
Classification: Likely benign. Last evaluated: 2025-03-04. Review status: criteria provided, single submitter. Criteria: ACMG Guidelines, 2015. Collection method: clinical testing. Allele origin: germline.

All of Us Research Program, National Institutes of Health
Classification: Likely benign for Familial adenomatous polyposis 2. Last evaluated: 2023-12-01. Review status: criteria provided, single submitter. Criteria: ACMG Guidelines, 2015. Collection method: clinical testing. Allele origin: germline. Inheritance: Autosomal recessive inheritance. Observed: 1 variant allele, 1 heterozygote.
Comment: This study involves interpretation of variants in research participants for the purpose of population health screening. Participant phenotype was not available at the time of variant classification. Additional details can be found in publication PMID: 35346344, PMCID: PMC8962531

Mendelics
Classification: Likely benign for Familial adenomatous polyposis 2. Last evaluated: 2019-05-28. Review status: criteria provided, single submitter. Criteria: Mendelics Assertion Criteria 2017. Collection method: clinical testing. Allele origin: unknown.

Color Diagnostics, LLC DBA Color Health
Classification: Likely benign for Hereditary cancer-predisposing syndrome. Last evaluated: 2018-10-09. Review status: criteria provided, single submitter. Criteria: ACMG Guidelines, 2015. Collection method: clinical testing. Allele origin: germline.

GeneDx
Classification: Likely benign. Last evaluated: 2018-07-11. Review status: criteria provided, single submitter. Criteria: GeneDx Variant Classification Process June 2021. Collection method: clinical testing. Allele origin: germline. Affected: yes.

Ambry Genetics
Classification: Likely benign for Hereditary cancer-predisposing syndrome. Last evaluated: 2015-05-12. Review status: criteria provided, single submitter. Criteria: Ambry Variant Classification Scheme 2023. Collection method: clinical testing. Allele origin: germline.

PreventionGenetics, part of Exact Sciences
Classification: Likely benign for MUTYH-related condition. Last evaluated: 2024-02-19. Review status: no assertion criteria provided. Collection method: clinical testing. Allele origin: germline. Not counted in ClinVar's aggregate classification.
Comment: This variant is classified as likely benign based on ACMG/AMP sequence variant interpretation guidelines (Richards et al. 2015 PMID: 25741868, with internal and published modifications).